The following is an entry in ClinVar:

ClinVar aggregate classification (germline): Uncertain significance (1 of 4 stars; one submission).

Conditions:
Hypertrophic cardiomyopathy 11. Also called: ACTC1-Related Familial Hypertrophic Cardiomyopathy. Identifiers: MedGen C2677506, MONDO:0012799, OMIM 612098.
Dilated cardiomyopathy 1R (CMD1R). Identifiers: Orphanet 154, Orphanet 54260, MedGen C3150681, MONDO:0013261, OMIM 613424.
Atrial septal defect 5 (ASD5). Identifiers: Orphanet 1478, MedGen C2748552, MONDO:0013011, OMIM 612794.

Allele frequency attached by ClinVar (database versions not stated): TOPMed below 0.00001; gnomAD 0.00001.
gnomAD v4.1: 1 of 1,614,112 alleles (0.000062%); highest among the groups gnomAD compares: Non-Finnish European, 0.000085%; no homozygotes.

Submission:

Labcorp Genetics (formerly Invitae), Labcorp
Classification: Uncertain significance for Dilated cardiomyopathy 1R; Hypertrophic cardiomyopathy 11; Atrial septal defect 5. Last evaluated: 2023-07-29. Review status: criteria provided, single submitter. Criteria: Invitae Variant Classification Sherloc (09022015). Collection method: clinical testing. Allele origin: germline.
Comment: In summary, the available evidence is currently insufficient to determine the role of this variant in disease. Therefore, it has been classified as a Variant of Uncertain Significance. Advanced modeling of protein sequence and biophysical properties (such as structural, functional, and spatial information, amino acid conservation, physicochemical variation, residue mobility, and thermodynamic stability) performed at Invitae indicates that this missense variant is not expected to disrupt ACTC1 protein function. This variant has not been reported in the literature in individuals affected with ACTC1-related conditions. This variant is not present in population databases (gnomAD no frequency). This sequence change replaces aspartic acid, which is acidic and polar, with glutamic acid, which is acidic and polar, at codon 213 of the ACTC1 protein (p.Asp213Glu).

NM_005159.5(ACTC1):c.639C>A (p.Asp213Glu)

Genes: GJD2-DT (GJD2 divergent transcript; plus strand), ACTC1 (actin alpha cardiac muscle 1; minus strand). Cytogenetic location: 15q14.
Variant type: single nucleotide variant.
Coding change: c.639C>A on transcript NM_005159.5 (MANE Select); coding-DNA position 639, C replaced by A.
Protein change: p.Asp213Glu; replaces aspartic acid 213 with glutamic acid.
Molecular consequence: missense variant.
Genome position (GRCh38, 1-based): chr15:34,792,259, G>T on the plus strand (C>A on the coding strand, the complement: ACTC1 is on the minus strand). VCF-style: chr15-34792259-G-T. GRCh37 (hg19) VCF-style: chr15-35084460-G-T.
Other names: c.639C>A, p.Asp213Glu (NM_001406482.1, NM_001406483.1); c.504C>A, p.Asp168Glu (NM_001406484.1); c.198C>A, p.Asp66Glu (NM_001406485.1); short protein forms D213E, D168E, D66E.
Identifiers: ClinVar variation 2950438 (VCV002950438.3), dbSNP rs753599089, ClinGen allele CA391630766.